The following is an entry in ClinVar:

NM_001999.4(FBN2):c.7840+1G>A

Gene: FBN2 (fibrillin 2; minus strand). Cytogenetic location: 5q23.3.
Variant type: single nucleotide variant.
Coding change: c.7840+1G>A on transcript NM_001999.4 (MANE Select); the canonical splice donor site of the intron after coding-DNA position 7840, G replaced by A.
Molecular consequence: splice donor variant.
Genome position (GRCh38, 1-based): chr5:128,273,839, C>T on the plus strand (G>A on the coding strand, the complement: FBN2 is on the minus strand). VCF-style: chr5-128273839-C-T. GRCh37 (hg19) VCF-style: chr5-127609531-C-T.
Other names: c.7840+1G>A (NM_001999.3).
Identifiers: ClinVar variation 2870399 (VCV002870399.4), dbSNP rs746742193, ClinGen allele CA3394006.
Genomic context (GRCh38, chr5:128,273,839, plus strand): 5'-AGTTAAAAATATATATGGTTTACTGTTATTAGATTAAGAATTTTTGAGCAAATCAACTAA[C>T]CTTCACAGTTCAGTCCGGTGGCATCAAGAGAGAACCCTCTTTGGCATTCACAGCTGAAAC-3'

ClinVar aggregate classification (germline): Uncertain significance. Review status: criteria provided, single submitter (1 of 4 stars). 2 submissions from 2 submitters: Uncertain significance (1). 1 of the submissions does not count toward it. Last evaluated 2023-08-16.

Conditions:
FBN2-related disorder. Also called: FBN2-related condition.
Congenital contractural arachnodactyly (CCA). Also called: BEALS SYNDROME; Arthrogryposis, distal, type 9; Beals-Hecht syndrome. Identifiers: Orphanet 115, MedGen C0220668, MONDO:0007363, OMIM 121050.

Allele frequency attached by ClinVar (database versions not stated): ExAC 0.00001; gnomAD 0.00001; TOPMed 0.00001.

Submissions (2):

Labcorp Genetics (formerly Invitae), Labcorp
Classification: Uncertain significance for Congenital contractural arachnodactyly. Last evaluated: 2023-08-16. Review status: criteria provided, single submitter. Criteria: Invitae Variant Classification Sherloc (09022015). Collection method: clinical testing. Allele origin: germline.
Comment: Algorithms developed to predict the effect of sequence changes on RNA splicing suggest that this variant may disrupt the consensus splice site. This variant has not been reported in the literature in individuals affected with FBN2-related conditions. The frequency data for this variant in the population databases is considered unreliable, as metrics indicate poor data quality at this position in the gnomAD database. This sequence change affects a donor splice site in intron 61 of the FBN2 gene. It is expected to disrupt RNA splicing. Variants that disrupt the donor or acceptor splice site typically lead to a loss of protein function (PMID: 16199547), however the current clinical and genetic evidence is not sufficient to establish whether loss-of-function variants in FBN2 cause disease. In summary, the available evidence is currently insufficient to determine the role of this variant in disease. Therefore, it has been classified as a Variant of Uncertain Significance.

PreventionGenetics, part of Exact Sciences
Classification: Uncertain significance for FBN2-related condition. Last evaluated: 2024-05-07. Review status: no assertion criteria provided. Collection method: clinical testing. Allele origin: germline. Not counted in ClinVar's aggregate classification.
Comment: The FBN2 c.7840+1G>A variant is predicted to disrupt the GT donor site and interfere with normal splicing. To our knowledge, this variant has not been reported in the literature. This variant is reported in 0.0062% of alleles in individuals of African descent in gnomAD. At this time, the clinical significance of this variant is uncertain due to the absence of conclusive functional and genetic evidence.

Literature cited by the submitters: PubMed 16199547 (cited by Labcorp Genetics (formerly Invitae), Labcorp).